The following is an entry in ClinVar:

ClinVar aggregate classification (germline): Uncertain significance. Review status: criteria provided, multiple submitters, no conflicts (2 of 4 stars). 2 submissions from 2 submitters: Uncertain significance (2). Last evaluated 2024-11-09.

Conditions:
Hereditary cancer-predisposing syndrome. Also called: Neoplastic Syndromes, Hereditary; Tumor predisposition; Hereditary Cancer Syndrome; Hereditary neoplastic syndrome. Identifiers: Orphanet 140162, MedGen C0027672, MeSH D009386, MONDO:0015356.
Rhabdoid tumor predisposition syndrome 2 (RTPS2). Identifiers: Orphanet 231108, Orphanet 69077, MedGen C2750074, MONDO:0013224, OMIM 613325.

Allele frequency attached by ClinVar (database versions not stated): gnomAD 0.00001; TOPMed 0.00001.
gnomAD v4.1: 2 of 1,614,008 alleles (0.00012%); highest among the groups gnomAD compares: African/African-American, 0.0027%; no homozygotes.

Submissions (2):

Ambry Genetics
Classification: Uncertain significance for Hereditary cancer-predisposing syndrome. Last evaluated: 2024-11-09. Review status: criteria provided, single submitter. Criteria: Ambry Variant Classification Scheme 2023. Collection method: clinical testing. Allele origin: germline.
Comment: The p.E512V variant (also known as c.1535A>T), located in coding exon 8 of the SMARCA4 gene, results from an A to T substitution at nucleotide position 1535. The glutamic acid at codon 512 is replaced by valine, an amino acid with dissimilar properties. This amino acid position is conserved. In addition, the in silico prediction for this alteration is inconclusive. Based on the available evidence, the clinical significance of this variant remains unclear.

Labcorp Genetics (formerly Invitae), Labcorp
Classification: Uncertain significance for Rhabdoid tumor predisposition syndrome 2. Last evaluated: 2022-12-07. Review status: criteria provided, single submitter. Criteria: Invitae Variant Classification Sherloc (09022015). Collection method: clinical testing. Allele origin: germline.
Comment: This variant is not present in population databases (gnomAD no frequency). This sequence change replaces glutamic acid, which is acidic and polar, with valine, which is neutral and non-polar, at codon 512 of the SMARCA4 protein (p.Glu512Val). In summary, the available evidence is currently insufficient to determine the role of this variant in disease. Therefore, it has been classified as a Variant of Uncertain Significance. Algorithms developed to predict the effect of missense changes on protein structure and function (SIFT, PolyPhen-2, Align-GVGD) all suggest that this variant is likely to be disruptive. This variant has not been reported in the literature in individuals affected with SMARCA4-related conditions.

NM_003072.5(SMARCA4):c.1535A>T (p.Glu512Val)

Gene: SMARCA4 (SWI/SNF related BAF chromatin remodeling complex subunit ATPase 4; plus strand). Cytogenetic location: 19p13.2.
Variant type: single nucleotide variant.
Coding change: c.1535A>T on transcript NM_003072.5 (MANE Select); coding-DNA position 1535, A replaced by T.
Protein change: p.Glu512Val; replaces glutamic acid 512 with valine.
Molecular consequence: missense variant. On other transcripts: non-coding transcript variant (1).
Genome position (GRCh38, 1-based): chr19:10,994,943, A>T. VCF-style: chr19-10994943-A-T. GRCh37 (hg19) VCF-style: chr19-11105619-A-T.
Other names: c.1535A>T (NM_001128849.1); c.1535A>T, p.Glu512Val (NM_001128844.3, NM_001128845.2, NM_001128846.2 and 6 more transcripts); short protein forms E512V.
Identifiers: ClinVar variation 2819213 (VCV002819213.4), dbSNP rs1204989613, ClinGen allele CA404062205.